The following is an entry in ClinVar:

ClinVar aggregate classification (germline): Likely pathogenic (1 of 4 stars; one submission).

Conditions:
Primary ciliary dyskinesia 29. Also called: CILIARY DYSKINESIA, PRIMARY, 29, WITHOUT SITUS INVERSUS. Identifiers: Orphanet 244, MedGen C4014534, MONDO:0014378, OMIM 615872.

Submission:

First Genomix Gene Laboratory, Genetic Diagnostics Department
Classification: Likely pathogenic for Primary ciliary dyskinesia 29. Last evaluated: 2025-09-19. Review status: criteria provided, single submitter. Criteria: ACMG Guidelines, 2015. Collection method: clinical testing. Allele origin: germline. Inheritance: Autosomal recessive inheritance. Affected: no. Observed: 1 variant allele.

NM_021147.5(CCNO):c.399_426dup (p.Val143delinsLeuTer)

Gene: CCNO (cyclin O; minus strand). Cytogenetic location: 5q11.2.
Variant type: Duplication.
Coding change: c.399_426dup on transcript NM_021147.5 (MANE Select); coding-DNA positions 399 to 426, 28 bases duplicated (CTGTAAGCTGCTCAGCTGGCTGATCCCG).
Protein change: p.Val143delinsLeuTer.
Molecular consequence: nonsense. On other transcripts: non-coding transcript variant (3).
Genome position (GRCh38, 1-based): chr5:55,232,502-55,232,529, CGGGATCAGCCAGCTGAGCAGCTTACAG duplicated on the plus strand (CTGTAAGCTGCTCAGCTGGCTGATCCCG on the coding strand, the reverse complement: CCNO is on the minus strand); duplicating any 28 consecutive bases within chr5:55,232,502-55,232,535 gives the same sequence; the c. name uses the placement nearest the transcript's 3' end. VCF-style (leftmost placement, unchanged base first): chr5-55232501-C-CCGGGATCAGCCAGCTGAGCAGCTTACAG. GRCh37 (hg19) VCF-style: chr5-54528329-C-CCGGGATCAGCCAGCTGAGCAGCTTACAG.
Identifiers: ClinVar variation 4850383 (VCV004850383.1).